The following is an entry in ClinVar:

NM_002528.7(NTHL1):c.629G>C (p.Gly210Ala)

Gene: NTHL1 (nth like DNA glycosylase 1; minus strand). Cytogenetic location: 16p13.3.
Variant type: single nucleotide variant.
Coding change: c.629G>C on transcript NM_002528.7 (MANE Select); coding-DNA position 629, G replaced by C.
Protein change: p.Gly210Ala; replaces glycine 210 with alanine.
Molecular consequence: missense variant.
Genome position (GRCh38, 1-based): chr16:2,043,623, C>G on the plus strand (G>C on the coding strand, the complement: NTHL1 is on the minus strand). VCF-style: chr16-2043623-C-G. GRCh37 (hg19) VCF-style: chr16-2093624-C-G.
Other names: c.458G>C, p.Gly153Ala (NM_001318193.2); c.299G>C, p.Gly100Ala (NM_001318194.2); short protein forms G153A, G210A, G100A.
Identifiers: ClinVar variation 933651 (VCV000933651.11), dbSNP rs2084298566, ClinGen allele CA394291312.
Genomic context (GRCh38, chr16:2,043,623, plus strand): 5'-TCACCAATGCCTGACACAGTGCCCCAGGCCACAGCCATAGCCAGGTGTGCCATCTTGGGC[C>G]CAACACCCGGCAGCGCCACCAGCTCGGCCACAGAGGCTGGGATGTCCCCACCGTAGTGCT-3'
Protein context (NP_002519.2, residues 200-220): VAELVALPGV[Gly210Ala]PKMAHLAMAV

ClinVar aggregate classification (germline): Uncertain significance. Review status: criteria provided, multiple submitters, no conflicts (2 of 4 stars). 2 submissions from 2 submitters: Uncertain significance (2). Last evaluated 2025-09-05.

Conditions:
Hereditary cancer-predisposing syndrome. Also called: Neoplastic Syndromes, Hereditary; Hereditary Cancer Syndrome; Hereditary neoplastic syndrome; Tumor predisposition. Identifiers: Orphanet 140162, MedGen C0027672, MeSH D009386, MONDO:0015356.

Allele frequency attached by ClinVar (database versions not stated): gnomAD exomes below 0.00001; TOPMed 0.00001.

Submissions (2):

Ambry Genetics
Classification: Uncertain significance for Hereditary cancer-predisposing syndrome. Last evaluated: 2025-09-05. Review status: criteria provided, single submitter. Criteria: Ambry Variant Classification Scheme 2023. Collection method: clinical testing. Allele origin: germline.
Comment: The p.G218A variant (also known as c.653G>C), located in coding exon 4 of the NTHL1 gene, results from a G to C substitution at nucleotide position 653. The glycine at codon 218 is replaced by alanine, an amino acid with similar properties. This amino acid position is conserved. In addition, this alteration is predicted to be deleterious by in silico analysis. Since supporting evidence is limited at this time, the clinical significance of this alteration remains unclear.

Labcorp Genetics (formerly Invitae), Labcorp
Classification: Uncertain significance. Last evaluated: 2024-12-09. Review status: criteria provided, single submitter. Criteria: Invitae Variant Classification Sherloc (09022015). Collection method: clinical testing. Allele origin: germline.
Comment: This sequence change replaces glycine, which is neutral and non-polar, with alanine, which is neutral and non-polar, at codon 218 of the NTHL1 protein (p.Gly218Ala). This variant is not present in population databases (gnomAD no frequency). This variant has not been reported in the literature in individuals affected with NTHL1-related conditions. ClinVar contains an entry for this variant (Variation ID: 933651). An algorithm developed to predict the effect of missense changes on protein structure and function (PolyPhen-2) suggests that this variant is likely to be disruptive. In summary, the available evidence is currently insufficient to determine the role of this variant in disease. Therefore, it has been classified as a Variant of Uncertain Significance.